The following is an entry in ClinVar:

ClinVar aggregate classification (germline): Uncertain significance (1 of 4 stars; one submission).

Conditions:
Inborn genetic diseases. Identifiers: MedGen C0950123, MeSH D030342.

Allele frequency attached by ClinVar (database versions not stated): gnomAD exomes below 0.00001; ExAC 0.00001.

Submission:

Ambry Genetics
Classification: Uncertain significance for Inborn genetic diseases. Last evaluated: 2022-08-03. Review status: criteria provided, single submitter. Criteria: Ambry Variant Classification Scheme 2023. Collection method: clinical testing. Allele origin: germline.
Comment: The p.P215S variant (also known as c.643C>T), located in coding exon 8 of the ERCC2 gene, results from a C to T substitution at nucleotide position 643. The proline at codon 215 is replaced by serine, an amino acid with similar properties. This amino acid position is conserved. In addition, this alteration is predicted to be deleterious by in silico analysis. Since supporting evidence is limited at this time, the clinical significance of this alteration remains unclear.

NM_000400.4(ERCC2):c.643C>T (p.Pro215Ser)

Gene: ERCC2 (ERCC excision repair 2, TFIIH core complex helicase subunit; minus strand). Cytogenetic location: 19q13.32.
Variant type: single nucleotide variant.
Coding change: c.643C>T on transcript NM_000400.4 (MANE Select); coding-DNA position 643, C replaced by T.
Protein change: p.Pro215Ser; replaces proline 215 with serine.
Molecular consequence: missense variant.
Genome position (GRCh38, 1-based): chr19:45,364,499, G>A on the plus strand (C>T on the coding strand, the complement: ERCC2 is on the minus strand). VCF-style: chr19-45364499-G-A. GRCh37 (hg19) VCF-style: chr19-45867757-G-A.
Other names: c.571C>T, p.Pro191Ser (NM_001130867.2); short protein forms P191S, P215S.
Identifiers: ClinVar variation 1753534 (VCV001753534.2), dbSNP rs780519795, ClinGen allele CA9513692.